The following is an entry in ClinVar:

ClinVar aggregate classification (germline): Uncertain significance (1 of 4 stars; one submission).

Conditions:
SEMA3D-related disorder. Also called: SEMA3D-related condition.

gnomAD v4.1: 8 of 1,592,014 alleles (0.0005%); highest among the groups gnomAD compares: African/African-American, 0.0013%; no homozygotes.

Submission:

PreventionGenetics, part of Exact Sciences
Classification: Uncertain significance for SEMA3D-related condition. Last evaluated: 2025-02-07. Review status: criteria provided, single submitter. Criteria: ACMG Guidelines, 2015. Collection method: clinical testing. Allele origin: germline.
Comment: The SEMA3D c.1513A>G variant is predicted to result in the amino acid substitution p.Ile505Val. This variant has not been reported in the literature in individuals with SEMA3D-related disorders. This variant is reported in 0.00089% of alleles in individuals of European (Non-Finnish) descent in gnomAD. At this time, the clinical significance of this variant is uncertain due to the absence of conclusive functional and genetic evidence.

NM_001384900.1(SEMA3D):c.1513A>G (p.Ile505Val)

Gene: SEMA3D (semaphorin 3D; minus strand). Cytogenetic location: 7q21.11.
Variant type: single nucleotide variant.
Coding change: c.1513A>G on transcript NM_001384900.1 (MANE Select); coding-DNA position 1513, A replaced by G.
Protein change: p.Ile505Val; replaces isoleucine 505 with valine.
Molecular consequence: missense variant.
Genome position (GRCh38, 1-based): chr7:85,018,284, T>C on the plus strand (A>G on the coding strand, the complement: SEMA3D is on the minus strand). VCF-style: chr7-85018284-T-C. GRCh37 (hg19) VCF-style: chr7-84647600-T-C.
Other names: c.1513A>G, p.Ile505Val (NM_001384901.1, NM_001384902.1, NM_001384903.1 and 1 more transcripts); short protein forms I505V.
Identifiers: ClinVar variation 4988136 (VCV004988136.1).
Genomic context (GRCh38, chr7:85,018,284, plus strand): 5'-TAACTTTCATACAAAAGTTAAAAAGTACCTGCTTCAGAGACAATTCCATGTTCAAGATGA[T>C]TGATGAGTGCTGAAAATAGAAGTTAAATGTCAATAAAGATAATCATTAACAGGTTTTTAT-3'
Protein context (NP_001371829.1, residues 495-515): EELQIFKHSS[Ile505Val]ILNMELSLKQ